The following is an entry in ClinVar:

ClinVar aggregate classification (germline): Uncertain significance. Review status: criteria provided, multiple submitters, no conflicts (2 of 4 stars). 2 submissions from 2 submitters: Uncertain significance (2). Last evaluated 2026-06-15.

Conditions:
TTN-related disorder. Also called: TTN-related condition; TTN-related disease; TTN-related disorders.

gnomAD v4.1: 8 of 1,582,956 alleles (0.00051%); highest among the groups gnomAD compares: African/African-American, 0.0094%; no homozygotes.

Submissions (2):

PreventionGenetics, part of Exact Sciences
Classification: Uncertain significance for TTN-related condition. Last evaluated: 2026-06-15. Review status: criteria provided, single submitter. Criteria: ACMG Guidelines, 2015. Collection method: clinical testing. Allele origin: germline.
Comment: The TTN c.25655T>C variant is predicted to result in the amino acid substitution p.Ile8552Thr. To our knowledge, this variant has not been reported in the literature. This variant is reported in 0.0084% of alleles in individuals of African descent in gnomAD. At this time, the clinical significance of this variant is uncertain due to the absence of conclusive functional and genetic evidence.

Revvity Omics, Revvity
Classification: Uncertain significance. Last evaluated: 2023-10-26. Review status: criteria provided, single submitter. Criteria: ACMG Guidelines, 2015. Collection method: clinical testing. Allele origin: germline.

NM_001267550.2(TTN):c.25655T>C (p.Ile8552Thr)

Gene: TTN (titin; minus strand). Cytogenetic location: 2q31.2.
Variant type: single nucleotide variant.
Coding change: c.25655T>C on transcript NM_001267550.2 (MANE Select); coding-DNA position 25655, T replaced by C.
Protein change: p.Ile8552Thr; replaces isoleucine 8552 with threonine.
Molecular consequence: missense variant. On other transcripts: intron variant (3).
Genome position (GRCh38, 1-based): chr2:178,715,759, A>G on the plus strand (T>C on the coding strand, the complement: TTN is on the minus strand). VCF-style: chr2-178715759-A-G. GRCh37 (hg19) VCF-style: chr2-179580486-A-G.
Other names: c.24704T>C, p.Ile8235Thr (NM_001256850.1); c.21923T>C, p.Ile7308Thr (NM_133378.4); c.13282+22323T>C (NM_003319.4); c.13858+22323T>C (NM_133437.4); c.13657+22323T>C (NM_133432.3); short protein forms I7308T, I8235T, I8552T.
Identifiers: ClinVar variation 4080634 (VCV004080634.2).